The following is an entry in ClinVar:

NM_005591.4(MRE11):c.561A>T (p.Glu187Asp)

Gene: MRE11 (MRE11 double strand break repair nuclease; minus strand). Cytogenetic location: 11q21.
Variant type: single nucleotide variant.
Coding change: c.561A>T on transcript NM_005591.4 (MANE Select); coding-DNA position 561, A replaced by T.
Protein change: p.Glu187Asp; replaces glutamic acid 187 with aspartic acid.
Molecular consequence: missense variant. On other transcripts: intron variant (3).
Genome position (GRCh38, 1-based): chr11:94,476,387, T>A on the plus strand (A>T on the coding strand, the complement: MRE11 is on the minus strand). VCF-style: chr11-94476387-T-A. GRCh37 (hg19) VCF-style: chr11-94209553-T-A.
Other names: c.561A>T, p.Glu187Asp (NM_001330347.2, NM_001440460.1, NM_001440461.1 and 18 more transcripts); c.93A>T, p.Glu31Asp (NM_001440486.1, NM_001440487.1, NM_001440485.1); c.315-4628A>T (NM_001440483.1, NM_001440484.1, NM_001440482.1); c.486A>T, p.Glu162Asp (NM_001440479.1, NM_001440471.1, NM_001440472.1); short protein forms E162D, E31D, E187D.
Identifiers: ClinVar variation 4110097 (VCV004110097.1).

ClinVar aggregate classification (germline): Uncertain significance (1 of 4 stars; one submission).

Conditions:
Hereditary cancer-predisposing syndrome. Also called: Tumor predisposition; Neoplastic Syndromes, Hereditary; Hereditary neoplastic syndrome; Hereditary Cancer Syndrome. Identifiers: Orphanet 140162, MedGen C0027672, MeSH D009386, MONDO:0015356.

Submission:

Ambry Genetics
Classification: Uncertain significance for Hereditary cancer-predisposing syndrome. Last evaluated: 2025-08-20. Review status: criteria provided, single submitter. Criteria: Ambry Variant Classification Scheme 2023. Collection method: clinical testing. Allele origin: germline.
Comment: The p.E187D variant (also known as c.561A>T), located in coding exon 6 of the MRE11A gene, results from an A to T substitution at nucleotide position 561. The glutamic acid at codon 187 is replaced by aspartic acid, an amino acid with highly similar properties. This amino acid position is conserved. In addition, this alteration is predicted to be deleterious by in silico analysis. Based on the available evidence, the clinical significance of this variant remains unclear.